The following is an entry in ClinVar:

ClinVar aggregate classification (germline): Uncertain significance. Review status: criteria provided, multiple submitters, no conflicts (2 of 4 stars). 2 submissions from 2 submitters: Uncertain significance (2). Last evaluated 2026-01-20.

Conditions:
FOXC1-related disorder. Also called: FOXC1-related condition.
Axenfeld-Rieger syndrome type 3 (RIEG3). Also called: AXENFELD-RIEGER ANOMALY WITH CARDIAC DEFECTS AND/OR SENSORINEURAL HEARING LOSS. Identifiers: Orphanet 782, MedGen C2678503, MONDO:0011233, OMIM 602482.

Allele frequency attached by ClinVar (database versions not stated): gnomAD 0.00001.

Submissions (2):

PreventionGenetics, part of Exact Sciences
Classification: Uncertain significance for FOXC1-related condition. Last evaluated: 2026-01-20. Review status: criteria provided, single submitter. Criteria: ACMG Guidelines, 2015. Collection method: clinical testing. Allele origin: germline.
Comment: The FOXC1 c.1148C>G variant is predicted to result in the amino acid substitution p.Ala383Gly. To our knowledge, this variant has not been reported in the literature or in a large population database (gnomAD), indicating this variant is rare. At this time, the clinical significance of this variant is uncertain due to the absence of conclusive functional and genetic evidence.

Labcorp Genetics (formerly Invitae), Labcorp
Classification: Uncertain significance for Axenfeld-Rieger syndrome type 3. Last evaluated: 2022-03-05. Review status: criteria provided, single submitter. Criteria: Invitae Variant Classification Sherloc (09022015). Collection method: clinical testing. Allele origin: germline.
Comment: This variant has not been reported in the literature in individuals affected with FOXC1-related conditions. This sequence change replaces alanine, which is neutral and non-polar, with glycine, which is neutral and non-polar, at codon 383 of the FOXC1 protein (p.Ala383Gly). The frequency data for this variant in the population databases is considered unreliable, as metrics indicate insufficient coverage at this position in the gnomAD database. Algorithms developed to predict the effect of missense changes on protein structure and function output the following: SIFT: "Tolerated"; PolyPhen-2: "Benign"; Align-GVGD: "Class C0". The glycine amino acid residue is found in multiple mammalian species, which suggests that this missense change does not adversely affect protein function. In summary, the available evidence is currently insufficient to determine the role of this variant in disease. Therefore, it has been classified as a Variant of Uncertain Significance.

NM_001453.3(FOXC1):c.1148C>G (p.Ala383Gly)

Gene: FOXC1 (forkhead box C1; plus strand). Cytogenetic location: 6p25.3.
Variant type: single nucleotide variant.
Coding change: c.1148C>G on transcript NM_001453.3 (MANE Select); coding-DNA position 1148, C replaced by G.
Protein change: p.Ala383Gly; replaces alanine 383 with glycine.
Molecular consequence: missense variant.
Genome position (GRCh38, 1-based): chr6:1,611,593, C>G. VCF-style: chr6-1611593-C-G. GRCh37 (hg19) VCF-style: chr6-1611828-C-G.
Other names: c.1148C>G (NM_001453.2); short protein forms A383G.
Identifiers: ClinVar variation 2053110 (VCV002053110.5), dbSNP rs1335794239, ClinGen allele CA362560313.
Genomic context (GRCh38, chr6:1,611,593, plus strand): 5'-CCCCCTGCAGCCAGACCTCCAGCGCGGGCAGCTCGGGCGGCGGCGGCGGCGGCGCGGGGG[C>G]CGCGGGGGGCGCGGGCGGCGCCGGGACCTACCACTGCAACCTGCAAGCCATGAGCCTGTA-3'
Protein context (NP_001444.2, residues 373-393): SSGGGGGGAG[Ala383Gly]AGGAGGAGTY